The following is an entry in ClinVar:

ClinVar aggregate classification (germline): Benign. Review status: criteria provided, multiple submitters, no conflicts (2 of 4 stars). 14 submissions from 10 submitters: Benign (13). 1 of the submissions does not count toward it. Last evaluated 2026-02-04.

Conditions:
Autosomal recessive limb-girdle muscular dystrophy type 2Q (LGMDR17). Also called: MUSCULAR DYSTROPHY, LIMB-GIRDLE, AUTOSOMAL RECESSIVE 17. Identifiers: Orphanet 254361, MedGen C3150989, MONDO:0013390, OMIM 613723.
Epidermolysis bullosa simplex 5C, with pyloric atresia (EBS5C). Also called: PLEC-Related Epidermolysis Bullosa with Pyloric Atresia; Epidermolysis bullosa simplex with pyloric atresia; PLEC1-Related Epidermolysis Bullosa with Pyloric Atresia. Identifiers: Orphanet 158684, MedGen C2677349, MONDO:0012807, OMIM 612138.
Epidermolysis bullosa simplex 5B, with muscular dystrophy (EBS5B). Also called: EPIDERMOLYSIS BULLOSA SIMPLEX AND LIMB-GIRDLE MUSCULAR DYSTROPHY; Epidermolysis bullosa simplex with muscular dystrophy. Identifiers: Orphanet 257, MedGen C2931072, MONDO:0009181, OMIM 226670.
Epidermolysis bullosa simplex with nail dystrophy (EBS5D). Identifiers: MedGen C4225309, MONDO:0014661, OMIM 616487.
Epidermolysis bullosa simplex, Ogna type (EBS5A). Also called: EPIDERMOLYSIS BULLOSA SIMPLEX 5A, OGNA TYPE; Pidermolysis bullosa simplex 5A, Ogna type. Identifiers: Orphanet 79401, MedGen C0432317, MONDO:0007555, OMIM 131950.

Allele frequency attached by ClinVar (database versions not stated): 1000 Genomes Project 30x 0.23251; 1000 Genomes Project 0.23403; TOPMed 0.28027; gnomAD 0.29792 and 0.30010; ESP Exome Variant Server 0.30209; ExAC 0.34510; gnomAD exomes 0.34537 and 0.39619.

Submissions (14):

Labcorp Genetics (formerly Invitae), Labcorp
Classification: Benign for Autosomal recessive limb-girdle muscular dystrophy type 2Q; Epidermolysis bullosa simplex, Ogna type; Epidermolysis bullosa simplex with nail dystrophy; Epidermolysis bullosa simplex 5C, with pyloric atresia; Epidermolysis bullosa simplex 5B, with muscular dystrophy. Last evaluated: 2026-02-04. Review status: criteria provided, single submitter. Criteria: Invitae Variant Classification Sherloc (09022015). Collection method: clinical testing. Allele origin: germline.

Blueprint Genetics
Classification: Benign. Last evaluated: 2024-11-27. Review status: criteria provided, single submitter. Criteria: ACMG Guidelines, 2015. Collection method: clinical testing. Allele origin: germline.

Genome-Nilou Lab
Classification: Benign for Epidermolysis bullosa simplex with nail dystrophy. Last evaluated: 2021-10-25. Review status: criteria provided, single submitter. Criteria: ACMG Guidelines, 2015. Collection method: clinical testing. Allele origin: germline. Affected: no.

Genome-Nilou Lab
Classification: Benign for Epidermolysis bullosa simplex, Ogna type. Last evaluated: 2021-10-25. Review status: criteria provided, single submitter. Criteria: ACMG Guidelines, 2015. Collection method: clinical testing. Allele origin: germline. Affected: no.

Genome-Nilou Lab
Classification: Benign for Epidermolysis bullosa simplex 5B, with muscular dystrophy. Last evaluated: 2021-10-25. Review status: criteria provided, single submitter. Criteria: ACMG Guidelines, 2015. Collection method: clinical testing. Allele origin: germline. Affected: no.

Genome-Nilou Lab
Classification: Benign for Epidermolysis bullosa simplex 5C, with pyloric atresia. Last evaluated: 2021-10-25. Review status: criteria provided, single submitter. Criteria: ACMG Guidelines, 2015. Collection method: clinical testing. Allele origin: germline. Affected: no.

Genome-Nilou Lab
Classification: Benign for Autosomal recessive limb-girdle muscular dystrophy type 2Q. Last evaluated: 2021-10-25. Review status: criteria provided, single submitter. Criteria: ACMG Guidelines, 2015. Collection method: clinical testing. Allele origin: germline. Affected: no.

Mayo Clinic Laboratories, Mayo Clinic
Classification: Benign. Last evaluated: 2017-07-24. Review status: criteria provided, single submitter. Criteria: ACMG Guidelines, 2015. Collection method: clinical testing. Allele origin: germline. Observed: 776 variant alleles.

GeneDx
Classification: Benign. Last evaluated: 2015-03-03. Review status: criteria provided, single submitter. Criteria: GeneDx Variant Classification Process June 2021. Collection method: clinical testing. Allele origin: germline. Affected: yes.

Laboratory for Molecular Medicine, Mass General Brigham Personalized Medicine
Classification: Benign. Last evaluated: 2015-01-13. Review status: criteria provided, single submitter. Criteria: LMM Criteria. Collection method: clinical testing. Allele origin: germline. Observed: 8 variant alleles.
Comment: p.Thr3692Thr in exon 32 of PLEC: This variant is not expected to have clinical s ignificance because it does not alter an amino acid residue and is not located w ithin the splice consensus sequence. It has been identified in 40.8% (3444/8438) of European American chromosomes from a broad population by the NHLBI Exome Seq uencing Project (dbSNP rs6984820).

Eurofins Ntd Llc (ga)
Classification: Benign. Last evaluated: 2014-05-21. Review status: criteria provided, single submitter. Criteria: EGL Classification Definitions 2015. Collection method: clinical testing. Allele origin: germline. Observed: 10 variant alleles, 9 heterozygotes, 1 homozygote.

Breakthrough Genomics
Classification: Benign. Review status: criteria provided, single submitter. Criteria: ACMG Guidelines, 2015. Collection method: not provided. Allele origin: germline. Inheritance: Autosomal recessive inheritance. Affected: yes.

PreventionGenetics, part of Exact Sciences
Classification: Benign. Review status: criteria provided, single submitter. Criteria: ACMG Guidelines, 2015. Collection method: clinical testing. Allele origin: germline.

Genetic Services Laboratory, University of Chicago
Classification: Likely benign for AllHighlyPenetrant. Review status: no assertion criteria provided. Collection method: clinical testing. Allele origin: germline. Inheritance: Autosomal recessive inheritance. Not counted in ClinVar's aggregate classification.
Comment: Likely benign based on allele frequency in 1000 Genomes Project or ESP global frequency and its presence in a patient with a rare or unrelated disease phenotype. NOT Sanger confirmed.

NM_201384.3(PLEC):c.10665G>A (p.Thr3555=)

Gene: PLEC (plectin; minus strand). Cytogenetic location: 8q24.3.
Variant type: single nucleotide variant.
Coding change: c.10665G>A on transcript NM_201384.3 (MANE Select); coding-DNA position 10665, G replaced by A.
Protein change: p.Thr3555=; no amino-acid change (threonine 3555 retained).
Molecular consequence: synonymous variant.
Genome position (GRCh38, 1-based): chr8:143,919,156, C>T on the plus strand (G>A on the coding strand, the complement: PLEC is on the minus strand). VCF-style: chr8-143919156-C-T. GRCh37 (hg19) VCF-style: chr8-144993324-C-T.
Other names: p.Thr3541=; c.10746G>A, p.Thr3582= (NM_000445.5); c.10623G>A, p.Thr3541= (NM_201378.4); c.10599G>A, p.Thr3533= (NM_201379.3); c.11076G>A, p.Thr3692= (NM_201380.4); c.10569G>A, p.Thr3523= (NM_201381.3); c.10665G>A, p.Thr3555= (NM_201382.4); c.10677G>A, p.Thr3559= (NM_201383.3).
Identifiers: ClinVar variation 93020 (VCV000093020.29), dbSNP rs6984820, ClinGen allele CA146205.
Genomic context (GRCh38, chr8:143,919,156, plus strand): 5'-GGGAATGTCGATCTGTGTCTCTTCAAATGCCCTTCTTGTCTCCTCCTCAGTGTACACCTG[C>T]GTGGTCTCCACCACCTCAGCCTTCTCCGCCCCTTTCAGTGGCAGAAGGCGCAAGCCCGTC-3'
Protein context (NP_958786.1, residues 3545-3565): GAEKAEVVET[Thr3555=]QVYTEEETRR